The following is an entry in ClinVar:

NM_004171.4(SLC1A2):c.32C>T (p.Pro11Leu)

Gene: SLC1A2 (solute carrier family 1 member 2; minus strand). Cytogenetic location: 11p13.
Variant type: single nucleotide variant.
Coding change: c.32C>T on transcript NM_004171.4 (MANE Select); coding-DNA position 32, C replaced by T.
Protein change: p.Pro11Leu; replaces proline 11 with leucine.
Molecular consequence: missense variant.
Genome position (GRCh38, 1-based): chr11:35,317,502, G>A on the plus strand (C>T on the coding strand, the complement: SLC1A2 is on the minus strand). VCF-style: chr11-35317502-G-A. GRCh37 (hg19) VCF-style: chr11-35339049-G-A.
Other names: c.5C>T, p.Pro2Leu (NM_001195728.3, NM_001252652.2); short protein forms P11L, P2L.
Identifiers: ClinVar variation 2714199 (VCV002714199.3), dbSNP rs2497943987, ClinGen allele CA380131638.
Genomic context (GRCh38, chr11:35,317,502, plus strand): 5'-CGGTGCTTGGGTTCCTCTGAGCCAAGATGACTGTCGTGCATTCGCACTTCCACCTGCTTG[G>A]GCATATTGTTGGCACTGGAACAGAAGTGAAGGCAGAGATTAGAGAGACTGGCACCTCCCC-3'
Protein context (NP_004162.2, residues 1-21): MASTEGANNM[Pro11Leu]KQVEVRMHDS

ClinVar aggregate classification (germline): Uncertain significance (1 of 4 stars; one submission).

Submission:

Labcorp Genetics (formerly Invitae), Labcorp
Classification: Uncertain significance. Last evaluated: 2023-06-14. Review status: criteria provided, single submitter. Criteria: Invitae Variant Classification Sherloc (09022015). Collection method: clinical testing. Allele origin: germline.
Comment: This variant has not been reported in the literature in individuals affected with SLC1A2-related conditions. This variant is not present in population databases (gnomAD no frequency). This sequence change replaces proline, which is neutral and non-polar, with leucine, which is neutral and non-polar, at codon 11 of the SLC1A2 protein (p.Pro11Leu). An algorithm developed to predict the effect of missense changes on protein structure and function (PolyPhen-2) suggests that this variant is likely to be tolerated. In summary, the available evidence is currently insufficient to determine the role of this variant in disease. Therefore, it has been classified as a Variant of Uncertain Significance.